The following is an entry in ClinVar:

NM_006904.7(PRKDC):c.9888G>T (p.Gln3296His)

Gene: PRKDC (protein kinase, DNA-activated, catalytic subunit; minus strand). Cytogenetic location: 8q11.21.
Variant type: single nucleotide variant.
Coding change: c.9888G>T on transcript NM_006904.7 (MANE Select); coding-DNA position 9888, G replaced by T.
Protein change: p.Gln3296His; replaces glutamine 3296 with histidine.
Molecular consequence: missense variant.
Genome position (GRCh38, 1-based): chr8:47,803,340, C>A on the plus strand (G>T on the coding strand, the complement: PRKDC is on the minus strand). VCF-style: chr8-47803340-C-A. GRCh37 (hg19) VCF-style: chr8-48715901-C-A.
Other names: c.9888G>T, p.Gln3296His (NM_001081640.2); short protein forms Q3296H.
Identifiers: ClinVar variation 3225948 (VCV003225948.1), dbSNP rs2087149439, ClinGen allele CA371136543.

ClinVar aggregate classification (germline): Uncertain significance (1 of 4 stars; one submission).

Submission:

Ambry Genetics
Classification: Uncertain significance. Last evaluated: 2023-09-27. Review status: criteria provided, single submitter. Criteria: Ambry Variant Classification Scheme 2023. Collection method: clinical testing. Allele origin: germline.
Comment: The p.Q3296H variant (also known as c.9888G>T), located in coding exon 70 of the PRKDC gene, results from a G to T substitution at nucleotide position 9888. The glutamine at codon 3296 is replaced by histidine, an amino acid with highly similar properties. This amino acid position is conserved. In addition, this alteration is predicted to be tolerated by in silico analysis. Since supporting evidence is limited at this time, the clinical significance of this alteration remains unclear.